The following is an entry in ClinVar:

NM_000180.4(GUCY2D):c.839C>G (p.Thr280Arg)

Gene: GUCY2D (guanylate cyclase 2D, retinal; plus strand). Cytogenetic location: 17p13.1.
Variant type: single nucleotide variant.
Coding change: c.839C>G on transcript NM_000180.4 (MANE Select); coding-DNA position 839, C replaced by G.
Protein change: p.Thr280Arg; replaces threonine 280 with arginine.
Molecular consequence: missense variant.
Genome position (GRCh38, 1-based): chr17:8,003,969, C>G. VCF-style: chr17-8003969-C-G. GRCh37 (hg19) VCF-style: chr17-7907287-C-G.
Other names: NM_000180.4(GUCY2D):c.839C>G; p.Thr280Arg; short protein forms T280R.
Identifiers: ClinVar variation 808220 (VCV000808220.42), dbSNP rs868557040, ClinGen allele CA287523615.

ClinVar aggregate classification (germline): Likely pathogenic. Review status: reviewed by expert panel (3 of 4 stars). 2 submissions from 2 submitters: Likely pathogenic (1). 1 of the submissions does not count toward it. Last evaluated 2025-01-31.

Conditions:
GUCY2D-related recessive retinopathy. Also called: Recessive GUCY2D retinopathy. Identifiers: MedGen CN305603, MONDO:0100453.

Submissions (2):

ClinGen Leber Congenital Amaurosis/early Onset Retinal Dystrophy Variant Curation Expert Panel, ClinGen
Classification: Likely pathogenic for GUCY2D-related recessive retinopathy. Last evaluated: 2025-01-31. Review status: reviewed by expert panel. Criteria: ClinGen LCAeoRD ACMG Specifications GUCY2D V1.0.0. Collection method: curation. Allele origin: germline. Inheritance: Autosomal recessive inheritance.
Comment: The NM_000180.4(GUCY2D):c.839C>G (p.Thr280Arg) variant predicts the substitution of arginine for threonine at position p.280. While the REVEL score is indeterminate (0.58) and does not support a deleterious effect on protein structure, the splicing impact predictor SpliceAI gives a score of 0.46 which is above the ClinGen LCA/eoRD VCEP recommended threshold of ≥0.2 and predicts a damaging impact on splicing (PP3). This variant is absent from gnomAD v4.1.0 (PM2_Supporting) and has been reported in at least 2 unrelated probands with early-onset severe retinal dystrophy who were homozygous for the variant. (1 point, PMIDs: 2642740, 29068479, PM3). The variant has been reported to segregate with childhood-onset severe retinal dystrophy through the proband plus 1 similarly affected relative, with the variant present in the homozygous state (PP1; PMID: 29068479). At least one proband harboring this variant exhibits a phenotype including diagnosis of LCA (0.5 pts), significantly reduced rod ERG (0.5 pts) and extinguished cone ERG (1 pt), decreased peripheral vision (1 pt) and decreased visual acuity (1 pt). (Total points 5.0, PP4). In summary, this variant meets the criteria to be classified as Likely Pathogenic for GUCY2D-related recessive retinopathy based on the ACMG/AMP criteria applied, as specified by the ClinGen LCA/eoRD VCEP: PM3, PP1, PP3, PP4, PM2 supporting. (VCEP specifications version 1.0.0; date of approval 01/22/2025).

CeGaT Center for Human Genetics Tuebingen
Classification: Likely pathogenic. Last evaluated: 2016-11-01. Review status: criteria provided, single submitter. Criteria: CeGaT Center For Human Genetics Tuebingen Variant Classification Criteria Version 2. Collection method: clinical testing. Allele origin: germline. Affected: yes. Observed: 1 variant allele. Not counted in ClinVar's aggregate classification.